The following is an entry in ClinVar:

NM_020297.4(ABCC9):c.704T>C (p.Ile235Thr)

Gene: ABCC9 (ATP binding cassette subfamily C member 9; minus strand). Cytogenetic location: 12p12.1.
Variant type: single nucleotide variant.
Coding change: c.704T>C on transcript NM_020297.4 (MANE Select); coding-DNA position 704, T replaced by C.
Protein change: p.Ile235Thr; replaces isoleucine 235 with threonine.
Molecular consequence: missense variant. On other transcripts: intron variant (1).
Genome position (GRCh38, 1-based): chr12:21,915,780, A>G on the plus strand (T>C on the coding strand, the complement: ABCC9 is on the minus strand). VCF-style: chr12-21915780-A-G. GRCh37 (hg19) VCF-style: chr12-22068714-A-G.
Other names: c.704T>C, p.Ile235Thr (NM_001377273.1, NM_005691.4); c.-48-2714T>C (NM_001377274.1); short protein forms I235T.
Identifiers: ClinVar variation 1756879 (VCV001756879.5), dbSNP rs1448744880, ClinGen allele CA384124094.

ClinVar aggregate classification (germline): Uncertain significance. Review status: criteria provided, multiple submitters, no conflicts (2 of 4 stars). 2 submissions from 2 submitters: Uncertain significance (2). Last evaluated 2024-10-18.

Conditions:
Cardiovascular phenotype. Identifiers: MedGen CN230736.
Dilated cardiomyopathy 1O (CMD1O). Also called: CARDIOMYOPATHY, DILATED, WITH VENTRICULAR TACHYCARDIA. Identifiers: Orphanet 154, MedGen C1837839, MONDO:0012062, OMIM 608569.

Allele frequency attached by ClinVar (database versions not stated): gnomAD 0.00001; gnomAD exomes 0.00001; TOPMed 0.00001.
gnomAD v4.1: 11 of 1,613,316 alleles (0.00068%); highest among the groups gnomAD compares: Non-Finnish European, 0.00093%; no homozygotes.

Submissions (2):

Labcorp Genetics (formerly Invitae), Labcorp
Classification: Uncertain significance for Dilated cardiomyopathy 1O. Last evaluated: 2024-10-18. Review status: criteria provided, single submitter. Criteria: Invitae Variant Classification Sherloc (09022015). Collection method: clinical testing. Allele origin: germline.
Comment: This sequence change replaces isoleucine, which is neutral and non-polar, with threonine, which is neutral and polar, at codon 235 of the ABCC9 protein (p.Ile235Thr). This variant is not present in population databases (gnomAD no frequency). This variant has not been reported in the literature in individuals affected with ABCC9-related conditions. ClinVar contains an entry for this variant (Variation ID: 1756879). Invitae Evidence Modeling of protein sequence and biophysical properties (such as structural, functional, and spatial information, amino acid conservation, physicochemical variation, residue mobility, and thermodynamic stability) indicates that this missense variant is expected to disrupt ABCC9 protein function with a positive predictive value of 95%. In summary, the available evidence is currently insufficient to determine the role of this variant in disease. Therefore, it has been classified as a Variant of Uncertain Significance.

Ambry Genetics
Classification: Uncertain significance for Cardiovascular phenotype. Last evaluated: 2021-07-26. Review status: criteria provided, single submitter. Criteria: Ambry Variant Classification Scheme 2023. Collection method: clinical testing. Allele origin: germline.
Comment: The p.I235T variant (also known as c.704T>C), located in coding exon 5 of the ABCC9 gene, results from a T to C substitution at nucleotide position 704. The isoleucine at codon 235 is replaced by threonine, an amino acid with similar properties. This amino acid position is highly conserved in available vertebrate species. In addition, this alteration is predicted to be deleterious by in silico analysis. Since supporting evidence is limited at this time, the clinical significance of this alteration remains unclear.